The following is an entry in ClinVar:

ClinVar aggregate classification (germline): Uncertain significance. Review status: criteria provided, multiple submitters, no conflicts (2 of 4 stars). 2 submissions from 2 submitters: Uncertain significance (2). Last evaluated 2022-07-19.

Conditions:
Heterotaxy, visceral, 4, autosomal (HTX4). Identifiers: Orphanet 450, MedGen C3151057, MONDO:0013403, OMIM 613751.

Allele frequency attached by ClinVar (database versions not stated): gnomAD exomes below 0.00001; TOPMed below 0.00001; ExAC 0.00001.
gnomAD v4.1: 3 of 1,614,164 alleles (0.00019%); highest among the groups gnomAD compares: South Asian, 0.0022%; no homozygotes.

Submissions (2):

Ambry Genetics
Classification: Uncertain significance. Last evaluated: 2022-07-19. Review status: criteria provided, single submitter. Criteria: Ambry Variant Classification Scheme 2023. Collection method: clinical testing. Allele origin: germline.

Labcorp Genetics (formerly Invitae), Labcorp
Classification: Uncertain significance for Heterotaxy, visceral, 4, autosomal. Last evaluated: 2022-07-19. Review status: criteria provided, single submitter. Criteria: Invitae Variant Classification Sherloc (09022015). Collection method: clinical testing. Allele origin: germline.
Comment: ClinVar contains an entry for this variant (Variation ID: 1385638). In summary, the available evidence is currently insufficient to determine the role of this variant in disease. Therefore, it has been classified as a Variant of Uncertain Significance. Advanced modeling of protein sequence and biophysical properties (such as structural, functional, and spatial information, amino acid conservation, physicochemical variation, residue mobility, and thermodynamic stability) performed at Invitae indicates that this missense variant is not expected to disrupt ACVR2B protein function. This variant has not been reported in the literature in individuals affected with ACVR2B-related conditions. This variant is present in population databases (rs774784440, gnomAD 0.0009%). This sequence change replaces valine, which is neutral and non-polar, with isoleucine, which is neutral and non-polar, at codon 327 of the ACVR2B protein (p.Val327Ile).

NM_001106.4(ACVR2B):c.979G>A (p.Val327Ile)

Gene: ACVR2B (activin A receptor type 2B; plus strand). Cytogenetic location: 3p22.2.
Variant type: single nucleotide variant.
Coding change: c.979G>A on transcript NM_001106.4 (MANE Select); coding-DNA position 979, G replaced by A.
Protein change: p.Val327Ile; replaces valine 327 with isoleucine.
Molecular consequence: missense variant.
Genome position (GRCh38, 1-based): chr3:38,481,370, G>A. VCF-style: chr3-38481370-G-A. GRCh37 (hg19) VCF-style: chr3-38522861-G-A.
Other names: c.979G>A (NM_001106.3); short protein forms V327I.
Identifiers: ClinVar variation 1385638 (VCV001385638.7), dbSNP rs774784440, ClinGen allele CA2318962.